The following is an entry in ClinVar:

NM_177924.5(ASAH1):c.622G>A (p.Val208Met)

Gene: ASAH1 (N-acylsphingosine amidohydrolase 1; minus strand). Cytogenetic location: 8p22.
Variant type: single nucleotide variant.
Coding change: c.622G>A on transcript NM_177924.5 (MANE Select); coding-DNA position 622, G replaced by A.
Protein change: p.Val208Met; replaces valine 208 with methionine.
Molecular consequence: missense variant.
Genome position (GRCh38, 1-based): chr8:18,062,305, C>T on the plus strand (G>A on the coding strand, the complement: ASAH1 is on the minus strand). VCF-style: chr8-18062305-C-T. GRCh37 (hg19) VCF-style: chr8-17919814-C-T.
Other names: c.604G>A, p.Val202Met (NM_001127505.3); c.427G>A, p.Val143Met (NM_001363743.2); c.670G>A, p.Val224Met (NM_004315.6); short protein forms V208M, V202M, V224M, V143M.
Identifiers: ClinVar variation 804544 (VCV000804544.4), dbSNP rs774912301, ClinGen allele CA4650764.

ClinVar aggregate classification (germline): Uncertain significance. Review status: criteria provided, multiple submitters, no conflicts (2 of 4 stars). 3 submissions from 3 submitters: Uncertain significance (3). Last evaluated 2022-07-19.

Allele frequency attached by ClinVar (database versions not stated): gnomAD 0.00002 and 0.00003; TOPMed 0.00002.
gnomAD v4.1: 35 of 1,614,104 alleles (0.0022%); highest among the groups gnomAD compares: Admixed American, 0.0017%; no homozygotes.

Submissions (3):

Labcorp Genetics (formerly Invitae), Labcorp
Classification: Uncertain significance. Last evaluated: 2022-07-19. Review status: criteria provided, single submitter. Criteria: Invitae Variant Classification Sherloc (09022015). Collection method: clinical testing. Allele origin: germline.
Comment: This sequence change replaces valine, which is neutral and non-polar, with methionine, which is neutral and non-polar, at codon 208 of the ASAH1 protein (p.Val208Met). This variant is present in population databases (rs774912301, gnomAD 0.07%). This variant has not been reported in the literature in individuals affected with ASAH1-related conditions. ClinVar contains an entry for this variant (Variation ID: 804544). Algorithms developed to predict the effect of missense changes on protein structure and function are either unavailable or do not agree on the potential impact of this missense change (SIFT: "Deleterious"; PolyPhen-2: "Probably Damaging"; Align-GVGD: "Class C0"). In summary, the available evidence is currently insufficient to determine the role of this variant in disease. Therefore, it has been classified as a Variant of Uncertain Significance.

Blueprint Genetics
Classification: Uncertain significance. Last evaluated: 2021-03-04. Review status: criteria provided, single submitter. Criteria: ACMG Guidelines, 2015. Collection method: clinical testing. Allele origin: germline.

Athena Diagnostics
Classification: Uncertain significance. Last evaluated: 2019-07-09. Review status: criteria provided, single submitter. Criteria: Athena Diagnostics Criteria. Collection method: clinical testing. Allele origin: germline.